The following is an entry in ClinVar:

NM_144997.7(FLCN):c.1062+2T>G

Gene: FLCN (folliculin; minus strand). Cytogenetic location: 17p11.2.
Variant type: single nucleotide variant.
Coding change: c.1062+2T>G on transcript NM_144997.7 (MANE Select); the canonical splice donor site of the intron after coding-DNA position 1062, T replaced by G.
Molecular consequence: splice donor variant.
Genome position (GRCh38, 1-based): chr17:17,219,017, A>C on the plus strand (T>G on the coding strand, the complement: FLCN is on the minus strand). VCF-style: chr17-17219017-A-C. GRCh37 (hg19) VCF-style: chr17-17122331-A-C.
Other names: c.1062+2T>G (NM_001353231.2, NM_001353230.2); c.1116+2T>G (NM_001353229.2).
Identifiers: ClinVar variation 265154 (VCV000265154.33), dbSNP rs886039370, ClinGen allele CA10588640.

ClinVar aggregate classification (germline): Pathogenic. Review status: criteria provided, multiple submitters, no conflicts (2 of 4 stars). 9 submissions from 9 submitters: Pathogenic (9). Last evaluated 2026-04-01.

Conditions:
Hereditary cancer-predisposing syndrome. Also called: Neoplastic Syndromes, Hereditary; Hereditary Cancer Syndrome; Tumor predisposition; Hereditary neoplastic syndrome. Identifiers: Orphanet 140162, MedGen C0027672, MeSH D009386, MONDO:0015356.
Hypoparathyroidism. Identifiers: MedGen C0020626, MONDO:0001220, HP:0000829.
Familial spontaneous pneumothorax (PSP). Identifiers: Orphanet 2903, MedGen C1868193, MONDO:0008259, OMIM 173600.
Birt-Hogg-Dube syndrome. Also called: Birt Hogg Dubé syndrome. Identifiers: Orphanet 122, MedGen C0346010, MONDO:0800444.
Colorectal cancer. Also called: Colorectal cancer, somatic; Malignant Colorectal Neoplasm. Identifiers: MedGen C0346629, MONDO:0005575, OMIM 114500.
17p11.2 microduplication syndrome (PTLS). Also called: CHROMOSOME 17p11.2 DUPLICATION SYNDROME; Potocki-Lupski syndrome; Duplication 17p11.2 syndrome; Potocki-Lupski syndrome (dup(17)(p11.2p11.2)). Identifiers: Orphanet 1713, MedGen C2931246, MONDO:0012574, OMIM 610883.
Nonpapillary renal cell carcinoma. Identifiers: Orphanet 422526, MedGen CN074294, MONDO:0007763, OMIM 144700.

Allele frequency attached by ClinVar (database versions not stated): gnomAD exomes below 0.00001.
gnomAD v4.1: 1 of 1,613,232 alleles (0.000062%); highest among the groups gnomAD compares: Non-Finnish European, 0.000085%; no homozygotes.

Submissions (9):

Clinical Genetics Laboratory, Skane University Hospital Lund
Classification: Pathogenic for Birt-Hogg-Dube syndrome. Last evaluated: 2026-04-01. Review status: criteria provided, single submitter. Criteria: ACMG Guidelines, 2015. Collection method: clinical testing. Allele origin: germline. Inheritance: Autosomal dominant inheritance. Affected: yes.
Comment: FLCN (NM_144997.7) c.1062+2T>G, p.? represents a nucleotide substitution in intron 9 of 13, which has been shown to cause aberrant splicing of exon 9 of 14 (PMID: 27734835), resulting in a truncated protein or loss of protein expression from the allele. FLCN c.1062+2T>G has previously been detected at a low allele frequency in the general population and is reported as pathogenic in the ClinVar database (Accession: VCV000265154.32). FLCN c.1062+2T>G has been described in individuals with Birt-Hogg-Dubé syndrome (PMID: 17133269, 18234728, 25519458, 26659639) and has been shown to segregate with disease in families (PMID: 15852235, 27734835). FLCN c.1062+2T>G, also designated IVS9+2T>G in the literature, is more frequently observed in individuals of Danish ancestry (PMID: 27734835). The variant has been classified as pathogenic based on the following ACMG criteria: PVS1, PS4_Moderate, PP1_Strong, PP4.

Department of Clinical Genetics, Copenhagen University Hospital, Rigshospitalet
Classification: Pathogenic for Birt-Hogg-Dube syndrome. Last evaluated: 2026-02-10. Review status: criteria provided, single submitter. Criteria: ACMG Guidelines, 2015. Collection method: clinical testing. Allele origin: germline.
Comment: The following ACMG criteria has been used: PM2_SUP; PVS1_RNA; PS4; PP1

Center for Genomic Medicine, Rigshospitalet, Copenhagen University Hospital
Classification: Pathogenic. Last evaluated: 2025-12-29. Review status: criteria provided, single submitter. Criteria: ACMG Guidelines, 2015. Collection method: clinical testing. Allele origin: germline.
Comment: Classification criteria: PP1; PP4; PVS1

Labcorp Genetics (formerly Invitae), Labcorp
Classification: Pathogenic for Birt-Hogg-Dube syndrome. Last evaluated: 2025-11-22. Review status: criteria provided, single submitter. Criteria: Invitae Variant Classification Sherloc (09022015). Collection method: clinical testing. Allele origin: germline.
Comment: This sequence change affects a donor splice site in intron 9 of the FLCN gene. It is expected to disrupt RNA splicing. Variants that disrupt the donor or acceptor splice site typically lead to a loss of protein function (PMID: 16199547), and loss-of-function variants in FLCN are known to be pathogenic (PMID: 15852235). This variant is not present in population databases (gnomAD no frequency). Disruption of this splice site has been observed in individuals with Birt-Hogg-Dubé syndrome (PMID: 15852235, 19802896, 27734835). It is commonly reported in individuals of Danish ancestry (PMID: 15852235, 19802896, 27734835). This variant is also known as IVS9+2T>G. ClinVar contains an entry for this variant (Variation ID: 265154). Studies have shown that disruption of this splice site alters mRNA splicing and is expected to lead to the loss of protein expression (PMID: 27734835). For these reasons, this variant has been classified as Pathogenic.

Mayo Clinic Laboratories, Mayo Clinic
Classification: Pathogenic. Last evaluated: 2024-12-26. Review status: criteria provided, single submitter. Criteria: ACMG Guidelines, 2015. Collection method: clinical testing. Allele origin: germline. Observed: 2 variant alleles.
Comment: PP1_strong, PP4, PM2_supporting, PS4_moderate, PVS1

Ambry Genetics
Classification: Pathogenic for Hereditary cancer-predisposing syndrome. Last evaluated: 2024-10-14. Review status: criteria provided, single submitter. Criteria: Ambry Variant Classification Scheme 2023. Collection method: clinical testing. Allele origin: germline.
Comment: The c.1062+2T>G intronic pathogenic mutation results from a T to G substitution two nucleotides after coding exon 6 in the FLCN gene. This mutation has been detected in numerous individuals meeting clinical diagnostic criteria for Birt-Hogg-Dube syndrome (BHD) (Schmidt LS et al. Am J Hum Genet. 2005 Jun;76(6):1023-33; Gad S et al. Br J Cancer. 2007 Jan 29;96(2):336-40; Toro JR et al. J Med Genet. 2008 Jun;45(6):321-31; Benusiglio PR et al. Orphanet J Rare Dis. 2014 Oct 29;9:163; Whitworth J et al. JAMA Oncol. 2016 Mar;2(3):373-9; Rossing M et al. J Hum Genet. 2017 Feb;62(2):151-157). While this mutation has been identified in BHD patients of various ethnicities, it has been reported to be especially prevalent in the Danish population and haplotype analysis revealed that it is a Danish founder mutation (Rossing M et al. J Hum Genet. 2017 Feb;62(2):151-157). Finally, a mini-gene splicing assay has shown that this mutation causes aberrant splicing (Rossing M et al. J Hum Genet. 2017 Feb;62(2):151-157). This variant is considered to be rare based on population cohorts in the Genome Aggregation Database (gnomAD). This nucleotide position is highly conserved in available vertebrate species. In silico splice site analysis predicts that this alteration will weaken the native splice donor site. In addition to the clinical data presented in the literature, alterations that disrupt the canonical splice site are expected to cause aberrant splicing, resulting in an abnormal protein or a transcript that is subject to nonsense-mediated mRNA decay. As such, this alteration is classified as a disease-causing mutation.

GeneDx
Classification: Pathogenic. Last evaluated: 2022-04-22. Review status: criteria provided, single submitter. Criteria: GeneDx Variant Classification Process June 2021. Collection method: clinical testing. Allele origin: germline. Affected: yes.
Comment: Canonical splice site variant demonstrated to result in protein truncation or nonsense mediated decay in a gene for which loss-of-function is a known mechanism of disease (Rossing 2017); Not observed in large population cohorts (gnomAD); This variant is associated with the following publications: (PMID: 25525159, 15852235, 26659639, 20522427, 18234728, 17133269, 25519458, 29720200, 29357828, 27734835)

Fulgent Genetics
Classification: Pathogenic for Colorectal cancer; Birt-Hogg-Dube syndrome 1; Nonpapillary renal cell carcinoma; Familial spontaneous pneumothorax; 17p11.2 microduplication syndrome. Last evaluated: 2022-03-26. Review status: criteria provided, single submitter. Criteria: ACMG Guidelines, 2015. Collection method: clinical testing. Allele origin: unknown.

Cambridge Genomics Laboratory, East Genomic Laboratory Hub, NHS Genomic Medicine Service
Classification: Pathogenic for Hypoparathyroidism. Last evaluated: 2020-02-11. Review status: criteria provided, single submitter. Criteria: ACGS Best Practice Guidelines for Variant Classification in Rare Disease 2020. Collection method: clinical testing. Allele origin: germline. Affected: yes. Observed: 1 variant allele.

Literature cited by the submitters: PubMed 27734835 (cited by 4 submitters); PubMed 16199547 (cited by Labcorp Genetics (formerly Invitae), Labcorp); PubMed 15852235 (cited by Labcorp Genetics (formerly Invitae), Labcorp and Mayo Clinic Laboratories, Mayo Clinic); PubMed 19802896 (cited by Labcorp Genetics (formerly Invitae), Labcorp); PubMed 17133269 (cited by Mayo Clinic Laboratories, Mayo Clinic); PubMed 18234728 (cited by Mayo Clinic Laboratories, Mayo Clinic); PubMed 25519458 (cited by Mayo Clinic Laboratories, Mayo Clinic); PubMed 26659639 (cited by Mayo Clinic Laboratories, Mayo Clinic).